The following is an entry in ClinVar:

ClinVar aggregate classification (germline): Uncertain significance (1 of 4 stars; one submission).

Conditions:
GATA1-related disorder. Also called: GATA1-related condition.

Submission:

PreventionGenetics, part of Exact Sciences
Classification: Uncertain significance for GATA1-related condition. Last evaluated: 2025-07-01. Review status: criteria provided, single submitter. Criteria: ACMG Guidelines, 2015. Collection method: clinical testing. Allele origin: germline.
Comment: The GATA1 c.1133A>C variant is predicted to result in the amino acid substitution p.His378Pro. To our knowledge, this variant has not been reported in the literature. This variant is reported in 0.0013% of alleles in individuals of European (Non-Finnish) descent in gnomAD. At this time, the clinical significance of this variant is uncertain due to the absence of conclusive functional and genetic evidence.

NM_002049.4(GATA1):c.1133A>C (p.His378Pro)

Gene: GATA1 (GATA binding protein 1; plus strand). Cytogenetic location: Xp11.23.
Variant type: single nucleotide variant.
Coding change: c.1133A>C on transcript NM_002049.4 (MANE Select); coding-DNA position 1133, A replaced by C.
Protein change: p.His378Pro; replaces histidine 378 with proline.
Molecular consequence: missense variant.
Genome position (GRCh38, 1-based): chrX:48,794,055, A>C. VCF-style: chrX-48794055-A-C. GRCh37 (hg19) VCF-style: chrX-48652462-A-C.
Other names: short protein forms H378P.
Identifiers: ClinVar variation 4979221 (VCV004979221.1).